The following is an entry in ClinVar:

ClinVar aggregate classification (germline): Uncertain significance (1 of 4 stars; one submission).

Conditions:
Familial thoracic aortic aneurysm and aortic dissection (TAAD). Also called: Thoracic aortic aneurysms and dissections. Identifiers: Orphanet 91387, MedGen C4707243, MONDO:0019625.

gnomAD v4.1: 2 of 1,614,028 alleles (0.00012%); highest among the groups gnomAD compares: African/African-American, 0.0027%; no homozygotes.

Submission:

Ambry Genetics
Classification: Uncertain significance for Familial thoracic aortic aneurysm and aortic dissection. Last evaluated: 2026-02-19. Review status: criteria provided, single submitter. Criteria: Ambry Variant Classification Scheme 2023. Collection method: clinical testing. Allele origin: germline.
Comment: The p.E1550D variant (also known as c.4650G>C), located in coding exon 32 of the MYH11 gene, results from a G to C substitution at nucleotide position 4650. The glutamic acid at codon 1550 is replaced by aspartic acid, an amino acid with highly similar properties. This amino acid position is conserved. In addition, the in silico prediction for this alteration is inconclusive. Based on the available evidence, the clinical significance of this variant remains unclear.

NM_002474.3(MYH11):c.4650G>C (p.Glu1550Asp)

Genes: MYH11 (myosin heavy chain 11; minus strand), NDE1 (nudE neurodevelopment protein 1; plus strand). Cytogenetic location: 16p13.11.
Variant type: single nucleotide variant.
Coding change: c.4650G>C on transcript NM_002474.3 (MANE Select); coding-DNA position 4650, G replaced by C.
Protein change: p.Glu1550Asp; replaces glutamic acid 1550 with aspartic acid.
Molecular consequence: missense variant. On other transcripts: intron variant (2).
Genome position (GRCh38, 1-based): chr16:15,720,980, C>G on the plus strand (G>C on the coding strand, the complement: MYH11 is on the minus strand). VCF-style: chr16-15720980-C-G. GRCh37 (hg19) VCF-style: chr16-15814837-C-G.
Other names: c.948-3211C>G (NM_017668.3, NM_001143979.2); c.4671G>C, p.Glu1557Asp (NM_001040113.2, NM_001040114.2); c.4650G>C, p.Glu1550Asp (NM_022844.3); short protein forms E1550D, E1557D.
Identifiers: ClinVar variation 4844340 (VCV004844340.1).